The following is an entry in ClinVar:

NM_005276.4(GPD1):c.847-3C>A

Gene: GPD1 (glycerol-3-phosphate dehydrogenase 1; plus strand). Cytogenetic location: 12q13.12.
Variant type: single nucleotide variant.
Coding change: c.847-3C>A on transcript NM_005276.4 (MANE Select); 3 bases into the intron before coding-DNA position 847, C replaced by A.
Molecular consequence: intron variant.
Genome position (GRCh38, 1-based): chr12:50,108,021, C>A. VCF-style: chr12-50108021-C-A. GRCh37 (hg19) VCF-style: chr12-50501804-C-A.
Other names: c.778-3C>A (NM_001257199.2).
Identifiers: ClinVar variation 1515754 (VCV001515754.4), dbSNP rs747791923, ClinGen allele CA6561785.
Genomic context (GRCh38, chr12:50,108,021, plus strand): 5'-CTCCACCCCCTACTGACAACCCTTCTCTCCCATTTCCATCCACTCATCCTGTTTTCTGCA[C>A]AGTCCATTGAGCAGCTGGAGAAAGAGTTGCTGAATGGGCAGAAACTGCAGGGGCCCGAGA-3'

ClinVar aggregate classification (germline): Uncertain significance (1 of 4 stars; one submission).

Allele frequency attached by ClinVar (database versions not stated): gnomAD 0.00003 and 0.00004; TOPMed 0.00005.
gnomAD v4.1: 164 of 1,594,278 alleles (0.01%); highest among the groups gnomAD compares: Non-Finnish European, 0.012%; no homozygotes.

Submission:

Labcorp Genetics (formerly Invitae), Labcorp
Classification: Uncertain significance. Last evaluated: 2023-12-18. Review status: criteria provided, single submitter. Criteria: Invitae Variant Classification Sherloc (09022015). Collection method: clinical testing. Allele origin: germline.
Comment: This sequence change falls in intron 6 of the GPD1 gene. It does not directly change the encoded amino acid sequence of the GPD1 protein. It affects a nucleotide within the consensus splice site. This variant is present in population databases (rs747791923, gnomAD 0.007%). This variant has not been reported in the literature in individuals affected with GPD1-related conditions. ClinVar contains an entry for this variant (Variation ID: 1515754). Variants that disrupt the consensus splice site are a relatively common cause of aberrant splicing (PMID: 17576681, 9536098). Algorithms developed to predict the effect of sequence changes on RNA splicing suggest that this variant is not likely to affect RNA splicing. In summary, the available evidence is currently insufficient to determine the role of this variant in disease. Therefore, it has been classified as a Variant of Uncertain Significance.

Literature cited by the submitters: PubMed 17576681; PubMed 9536098.